The following is an entry in ClinVar:

NM_024649.5(BBS1):c.867C>T (p.Ser289=)

Genes: BBS1 (Bardet-Biedl syndrome 1; plus strand), ZDHHC24 (zDHHC palmitoyltransferase 24; minus strand). Cytogenetic location: 11q13.2.
Variant type: single nucleotide variant.
Coding change: c.867C>T on transcript NM_024649.5 (MANE Select); coding-DNA position 867, C replaced by T.
Protein change: p.Ser289=; no amino-acid change (serine 289 retained).
Molecular consequence: synonymous variant. On other transcripts: intron variant (1).
Genome position (GRCh38, 1-based): chr11:66,523,492, C>T. VCF-style: chr11-66523492-C-T. GRCh37 (hg19) VCF-style: chr11-66290963-C-T.
Other names: c.*22-2026G>A (NM_001348571.2).
Identifiers: ClinVar variation 877960 (VCV000877960.15), dbSNP rs776322401, ClinGen allele CA6123538.

ClinVar aggregate classification (germline): Conflicting classifications of pathogenicity. Review status: criteria provided, conflicting classifications (1 of 4 stars). 4 submissions from 4 submitters: Uncertain significance (1); Likely benign (2). 1 of the submissions does not count toward it. Last evaluated 2023-08-11.

Conditions:
Bardet-Biedl syndrome 1 (BBS1). Identifiers: MedGen C2936862, MONDO:0008854, OMIM 209900. Disease mechanism: loss of function.
Bardet-Biedl syndrome (BBS). Identifiers: Orphanet 110, MedGen C0752166, MONDO:0015229.
BBS1-related disorder. Also called: BBS1-related condition.

Allele frequency attached by ClinVar (database versions not stated): gnomAD 0.00001; ExAC 0.00001; gnomAD exomes below 0.00001 and 0.00001; TOPMed 0.00001.
gnomAD v4.1: 15 of 1,614,008 alleles (0.00093%); highest among the groups gnomAD compares: African/African-American, 0.0013%; no homozygotes.

Submissions (4):

Labcorp Genetics (formerly Invitae), Labcorp
Classification: Likely benign for Bardet-Biedl syndrome. Last evaluated: 2023-08-11. Review status: criteria provided, single submitter. Criteria: Invitae Variant Classification Sherloc (09022015). Collection method: clinical testing. Allele origin: germline.

Blueprint Genetics
Classification: Likely benign. Last evaluated: 2020-06-11. Review status: criteria provided, single submitter. Criteria: ACMG Guidelines, 2015. Collection method: clinical testing. Allele origin: germline.

Illumina Laboratory Services, Illumina
Classification: Uncertain significance for Bardet-Biedl syndrome 1. Last evaluated: 2018-01-13. Review status: criteria provided, single submitter. Criteria: ICSL Variant Classification Criteria 13 December 2019. Collection method: clinical testing. Allele origin: germline.

PreventionGenetics, part of Exact Sciences
Classification: Likely benign for BBS1-related condition. Last evaluated: 2021-03-22. Review status: no assertion criteria provided. Collection method: clinical testing. Allele origin: germline. Not counted in ClinVar's aggregate classification.
Comment: This variant is classified as likely benign based on ACMG/AMP sequence variant interpretation guidelines (Richards et al. 2015 PMID: 25741868, with internal and published modifications).